The following is an entry in ClinVar:

NM_006502.3(POLH):c.*429G>A

Gene: POLH (DNA polymerase eta; plus strand). Cytogenetic location: 6p21.1.
Variant type: single nucleotide variant.
Coding change: c.*429G>A on transcript NM_006502.3 (MANE Select); 429 bases downstream of the stop codon, G replaced by A.
Molecular consequence: 3 prime UTR variant.
Genome position (GRCh38, 1-based): chr6:43,614,986, G>A. VCF-style: chr6-43614986-G-A. GRCh37 (hg19) VCF-style: chr6-43582723-G-A.
Other names: c.*429G>A (NM_001291969.2); c.*1255G>A (NM_001291970.2).
Identifiers: ClinVar variation 909693 (VCV000909693.4), dbSNP rs9333556, ClinGen allele CA138305245.
Genomic context (GRCh38, chr6:43,614,986, plus strand): 5'-GGAGATAATACCTTACAGATTATTGCAGATTAATAACAATGTATTCAAATTATGTAACTC[G>A]GCCGGGTACAATGGCTCACGCCTGTAATCCTAACACTTTGGGAGGCCGAGGCAGACAGAT-3'

ClinVar aggregate classification (germline): Benign (1 of 4 stars; one submission).

Conditions:
Xeroderma pigmentosum variant type. Also called: PHOTOSENSITIVITY WITH DEFECTIVE DNA SYNTHESIS; XERODERMA PIGMENTOSUM WITH NORMAL DNA REPAIR RATES; POLH-Related Xeroderma Pigmentosum. Identifiers: Orphanet 90342, MedGen C1848410, MONDO:0010214, OMIM 278750.

Allele frequency attached by ClinVar (database versions not stated): gnomAD exomes 0.00066; gnomAD 0.01264 and 0.01366; TOPMed 0.01503; 1000 Genomes Project 0.01597; 1000 Genomes Project 30x 0.01624.

Submission:

Illumina Laboratory Services, Illumina
Classification: Benign for Xeroderma pigmentosum variant type. Last evaluated: 2018-01-13. Review status: criteria provided, single submitter. Criteria: ICSL Variant Classification Criteria 13 December 2019. Collection method: clinical testing. Allele origin: germline.
Comment: This variant was observed in the ICSL laboratory as part of a predisposition screen in an ostensibly healthy population. It had not been previously curated by ICSL or reported in the Human Gene Mutation Database (HGMD: prior to June 1st, 2018), and was therefore a candidate for classification through an automated scoring system. Utilizing variant allele frequency, disease prevalence and penetrance estimates, and inheritance mode, an automated score was calculated to assess if this variant is too frequent to cause the disease. Based on the score and internal cut-off values, a variant classified as benign is not then subjected to further curation. The score for this variant resulted in a classification of benign for this disease.